The following is an entry in ClinVar:

ClinVar aggregate classification (germline): Uncertain significance (1 of 4 stars; one submission).

Allele frequency attached by ClinVar (database versions not stated): gnomAD exomes below 0.00001.
gnomAD v4.1: 1 of 1,614,136 alleles (0.000062%); highest among the groups gnomAD compares: Admixed American, 0.0017%; no homozygotes.

Submission:

Labcorp Genetics (formerly Invitae), Labcorp
Classification: Uncertain significance. Last evaluated: 2023-07-07. Review status: criteria provided, single submitter. Criteria: Invitae Variant Classification Sherloc (09022015). Collection method: clinical testing. Allele origin: germline.
Comment: This variant has not been reported in the literature in individuals affected with CDC45-related conditions. In summary, the available evidence is currently insufficient to determine the role of this variant in disease. Therefore, it has been classified as a Variant of Uncertain Significance. An algorithm developed to predict the effect of missense changes on protein structure and function (PolyPhen-2) suggests that this variant is likely to be disruptive. ClinVar contains an entry for this variant (Variation ID: 1397135). This variant is present in population databases (no rsID available, gnomAD 0.003%). This sequence change replaces histidine, which is basic and polar, with glutamine, which is neutral and polar, at codon 315 of the CDC45 protein (p.His315Gln).

NM_003504.5(CDC45):c.849C>A (p.His283Gln)

Gene: CDC45 (cell division cycle 45; plus strand). Cytogenetic location: 22q11.21.
Variant type: single nucleotide variant.
Coding change: c.849C>A on transcript NM_003504.5 (MANE Select); coding-DNA position 849, C replaced by A.
Protein change: p.His283Gln; replaces histidine 283 with glutamine.
Molecular consequence: missense variant. On other transcripts: non-coding transcript variant (1).
Genome position (GRCh38, 1-based): chr22:19,507,410, C>A. VCF-style: chr22-19507410-C-A. GRCh37 (hg19) VCF-style: chr22-19494933-C-A.
Other names: c.945C>A, p.His315Gln (NM_001178010.2); c.711C>A, p.His237Gln (NM_001178011.2); c.813C>A, p.His271Gln (NM_001369291.1); short protein forms H271Q, H283Q, H315Q, H237Q.
Identifiers: ClinVar variation 1397135 (VCV001397135.8), dbSNP rs1208026486, ClinGen allele CA410666318.
Genomic context (GRCh38, chr22:19,507,410, plus strand): 5'-AGTGGGTGCTTGCATGCTCCTTGACTGCAGGCCCAGCCTCCGCCTGGTGCTCTACCAGCA[C>A]TGGTCCCTCCATGACAGCCTGTGCAACACCAGCTATACCGCAGCCAGGTTCAAGCTGTGG-3'
Protein context (NP_003495.1, residues 273-293): EYDLRLVLYQ[His283Gln]WSLHDSLCNT